The following is an entry in ClinVar:

NM_001458.5(FLNC):c.6849G>A (p.Met2283Ile)

Genes: FLNC-AS1 (FLNC antisense RNA 1; minus strand), FLNC (filamin C; plus strand). Cytogenetic location: 7q32.1.
Variant type: single nucleotide variant.
Coding change: c.6849G>A on transcript NM_001458.5 (MANE Select); coding-DNA position 6849, G replaced by A.
Protein change: p.Met2283Ile; replaces methionine 2283 with isoleucine.
Molecular consequence: missense variant.
Genome position (GRCh38, 1-based): chr7:128,854,534, G>A. VCF-style: chr7-128854534-G-A. GRCh37 (hg19) VCF-style: chr7-128494588-G-A.
Other names: c.6750G>A, p.Met2250Ile (NM_001127487.2); short protein forms M2283I, M2250I.
Identifiers: ClinVar variation 472148 (VCV000472148.7), dbSNP rs1375490850, ClinGen allele CA369213919.
Genomic context (GRCh38, chr7:128,854,534, plus strand): 5'-CGCAGAGATCGTCGAGGGCGAGGACAGCGCCTACAGCGTGCGCTTTGTGCCCCAGGAAAT[G>A]GGGCCCCATACGGTCGCTGTCAAGTACCGTGGCCAGCACGTGCCCGGCAGCCCCTTTCAG-3'
Protein context (NP_001449.3, residues 2273-2293): AYSVRFVPQE[Met2283Ile]GPHTVAVKYR

ClinVar aggregate classification (germline): Uncertain significance (1 of 4 stars; one submission).

Conditions:
Distal myopathy with posterior leg and anterior hand involvement. Also called: WILLIAMS DISTAL MYOPATHY. Identifiers: Orphanet 63273, MedGen C3279722, MONDO:0013550, OMIM 614065.
Myofibrillar myopathy 5. Also called: Filaminopathy (type); FILAMINOPATHY, AUTOSOMAL DOMINANT. Identifiers: Orphanet 171445, MedGen C1836050, MONDO:0012289, OMIM 609524.
Hypertrophic cardiomyopathy 26. Also called: Cardiomyopathy, familial hypertrophic, 26. Identifiers: Orphanet 75249, MedGen C4310749, MONDO:0014883, OMIM 617047.

Allele frequency attached by ClinVar (database versions not stated): gnomAD exomes below 0.00001; gnomAD 0.00001.

Submission:

Labcorp Genetics (formerly Invitae), Labcorp
Classification: Uncertain significance for Distal myopathy with posterior leg and anterior hand involvement; Myofibrillar myopathy 5; Hypertrophic cardiomyopathy 26. Last evaluated: 2025-04-11. Review status: criteria provided, single submitter. Criteria: Invitae Variant Classification Sherloc (09022015). Collection method: clinical testing. Allele origin: germline.
Comment: This sequence change replaces methionine, which is neutral and non-polar, with isoleucine, which is neutral and non-polar, at codon 2283 of the FLNC protein (p.Met2283Ile). The frequency data for this variant in the population databases is considered unreliable, as metrics indicate poor data quality at this position in the gnomAD database. This variant has not been reported in the literature in individuals affected with FLNC-related conditions. ClinVar contains an entry for this variant (Variation ID: 472148). Invitae Evidence Modeling of protein sequence and biophysical properties (such as structural, functional, and spatial information, amino acid conservation, physicochemical variation, residue mobility, and thermodynamic stability) indicates that this missense variant is not expected to disrupt FLNC protein function with a negative predictive value of 95%. In summary, the available evidence is currently insufficient to determine the role of this variant in disease. Therefore, it has been classified as a Variant of Uncertain Significance.